The following is an entry in ClinVar:

NM_017757.3(ZNF407):c.156T>C (p.Gly52=)

Gene: ZNF407 (zinc finger protein 407; plus strand). Cytogenetic location: 18q22.3.
Variant type: single nucleotide variant.
Coding change: c.156T>C on transcript NM_017757.3 (MANE Select); coding-DNA position 156, T replaced by C.
Protein change: p.Gly52=; no amino-acid change (glycine 52 retained).
Molecular consequence: synonymous variant.
Genome position (GRCh38, 1-based): chr18:74,631,175, T>C. VCF-style: chr18-74631175-T-C. GRCh37 (hg19) VCF-style: chr18-72343131-T-C.
Other names: c.156T>C, p.Gly52= (NM_001146189.1, NM_001146190.1, NM_001384475.1).
Identifiers: ClinVar variation 3905470 (VCV003905470.10).

ClinVar aggregate classification (germline): Likely benign (1 of 4 stars; one submission).

gnomAD v4.1: 20 of 1,613,028 alleles (0.0012%); highest among the groups gnomAD compares: East Asian, 0.038%; no homozygotes.

Submission:

CeGaT Center for Human Genetics Tuebingen
Classification: Likely benign. Last evaluated: 2025-05-01. Review status: criteria provided, single submitter. Criteria: CeGaT Center For Human Genetics Tuebingen Variant Classification Criteria Version 2. Collection method: clinical testing. Allele origin: germline. Affected: yes. Observed: 1 variant allele.
Comment: ZNF407: BP4, BP7